The following is an entry in ClinVar:

NM_000179.3(MSH6):c.1438_1443delinsCG (p.Val480fs)

Gene: MSH6 (mutS homolog 6; plus strand). Cytogenetic location: 2p16.3.
Variant type: Indel.
Coding change: c.1438_1443delinsCG on transcript NM_000179.3 (MANE Select); coding-DNA positions 1438 to 1443, GTAGCA replaced by CG.
Protein change: p.Val480fs; shifts the reading frame from valine 480.
Molecular consequence: frameshift variant.
Genome position (GRCh38, 1-based): chr2:47,799,421-47,799,426, GTAGCA replaced by CG. VCF-style: chr2-47799421-GTAGCA-CG. GRCh37 (hg19) VCF-style: chr2-48026560-GTAGCA-CG.
Other names: c.1048_1053delinsCG, p.Val350fs (NM_001281492.2); c.532_537delinsCG, p.Val178fs (NM_001281493.2, NM_001281494.2); c.1438_1443delGTAGCAinsCG (NM_000179.2); short protein forms V178fs, V350fs, V480fs.
Identifiers: ClinVar variation 483786 (VCV000483786.5), dbSNP rs1553412851, ClinGen allele CA658655756.

ClinVar aggregate classification (germline): Pathogenic (1 of 4 stars; one submission).

Conditions:
Hereditary cancer-predisposing syndrome. Also called: Neoplastic Syndromes, Hereditary; Tumor predisposition; Hereditary Cancer Syndrome; Hereditary neoplastic syndrome. Identifiers: Orphanet 140162, MedGen C0027672, MeSH D009386, MONDO:0015356.

Submission:

Ambry Genetics
Classification: Pathogenic for Hereditary cancer-predisposing syndrome. Last evaluated: 2016-02-25. Review status: criteria provided, single submitter. Criteria: Ambry Variant Classification Scheme 2023. Collection method: clinical testing. Allele origin: germline.
Comment: The c.1438_1443delGTAGCAinsCG pathogenic mutation, located in coding exon 4 of the MSH6 gene, results from the deletion of 6 nucleotides and insertion of 2 nucleotides at positions 1438-1443 causing a translational frameshift with a predicted alternate stop codon. Since frameshifts are typically deleterious in nature, this alteration is interpreted as a disease-causing mutation (ACMG Recommendations for Standards for Interpretation and Reporting of Sequence Variations. Revision 2007. Genet Med. 2008;10:294).